The following is an entry in ClinVar:

NM_001127178.3(PIGG):c.1972C>T (p.Pro658Ser)

Gene: PIGG (phosphatidylinositol glycan anchor biosynthesis class G (EMM blood group); plus strand). Cytogenetic location: 4p16.3.
Variant type: single nucleotide variant.
Coding change: c.1972C>T on transcript NM_001127178.3 (MANE Select); coding-DNA position 1972, C replaced by T.
Protein change: p.Pro658Ser; replaces proline 658 with serine.
Molecular consequence: missense variant. On other transcripts: non-coding transcript variant (6).
Genome position (GRCh38, 1-based): chr4:523,816, C>T. VCF-style: chr4-523816-C-T. GRCh37 (hg19) VCF-style: chr4-517605-C-T.
Other names: c.1705C>T, p.Pro569Ser (NM_001289051.2, NM_001345986.2); c.1573C>T, p.Pro525Ser (NM_001289052.2); c.1681C>T, p.Pro561Ser (NM_001345987.2); c.943C>T, p.Pro315Ser (NM_001345988.2); c.439C>T, p.Pro147Ser (NM_001345990.2, NM_001345991.2); c.874C>T, p.Pro292Ser (NM_001345994.2); c.1948C>T, p.Pro650Ser (NM_017733.5); short protein forms P147S, P292S, P658S, P315S, P525S, P569S, P650S, P561S.
Identifiers: ClinVar variation 1423200 (VCV001423200.5), dbSNP rs757266669, ClinGen allele CA2793495.

ClinVar aggregate classification (germline): Uncertain significance (1 of 4 stars; one submission).

Conditions:
Intellectual disability, autosomal recessive 53 (NEDHSCA). Also called: GLYCOSYLPHOSPHATIDYLINOSITOL BIOSYNTHESIS DEFECT 13; Mental retardation, autosomal recessive 53; NEURODEVELOPMENTAL DISORDER WITH OR WITHOUT HYPOTONIA, SEIZURES, AND CEREBELLAR ATROPHY. Identifiers: Orphanet 488635, MedGen C4310794, MONDO:0014832, OMIM 616917.

Allele frequency attached by ClinVar (database versions not stated): ExAC 0.00001; gnomAD 0.00001; gnomAD exomes 0.00002.
gnomAD v4.1: 26 of 1,612,848 alleles (0.0016%); highest among the groups gnomAD compares: South Asian, 0.023%; no homozygotes.

Submission:

Labcorp Genetics (formerly Invitae), Labcorp
Classification: Uncertain significance for Intellectual disability, autosomal recessive 53. Last evaluated: 2024-12-02. Review status: criteria provided, single submitter. Criteria: Invitae Variant Classification Sherloc (09022015). Collection method: clinical testing. Allele origin: germline.
Comment: This sequence change replaces proline, which is neutral and non-polar, with serine, which is neutral and polar, at codon 658 of the PIGG protein (p.Pro658Ser). This variant is present in population databases (rs757266669, gnomAD 0.01%). This variant has not been reported in the literature in individuals affected with PIGG-related conditions. ClinVar contains an entry for this variant (Variation ID: 1423200). Invitae Evidence Modeling of protein sequence and biophysical properties (such as structural, functional, and spatial information, amino acid conservation, physicochemical variation, residue mobility, and thermodynamic stability) has been performed for this missense variant. However, the output from this modeling did not meet the statistical confidence thresholds required to predict the impact of this variant on PIGG protein function. In summary, the available evidence is currently insufficient to determine the role of this variant in disease. Therefore, it has been classified as a Variant of Uncertain Significance.